The following is an entry in ClinVar:

ClinVar aggregate classification (germline): Uncertain significance (1 of 4 stars; one submission).

Conditions:
Malignant hyperthermia, susceptibility to, 1 (MHS1). Also called: Anesthesia related hyperthermia; Malignant hyperpyrexia; Fulminating hyperpyrexia; Pharmacogenic myopathy; RYR1-Related Malignant Hyperthermia Susceptibility; Malignant hyperthermia suceptibility 1. Identifiers: Orphanet 423, MedGen C2930980, MONDO:0007783, OMIM 145600.

gnomAD v4.1: 2 of 1,613,988 alleles (0.00012%); highest among the groups gnomAD compares: Non-Finnish European, 0.00017%; no homozygotes.

Submission:

All of Us Research Program, National Institutes of Health
Classification: Uncertain significance for Malignant hyperthermia, susceptibility to, 1. Last evaluated: 2023-10-02. Review status: criteria provided, single submitter. Criteria: ACMG Guidelines, 2015. Collection method: clinical testing. Allele origin: germline. Inheritance: Autosomal dominant inheritance. Observed: 3 variant alleles, 3 heterozygotes.
Comment: This variant causes a G to A nucleotide substitution at the +6 position of intron 17/105 of the RYR1 gene. To our knowledge, functional studies have not been reported for this variant. This variant has not been reported in individuals affected with RYR1-related disorders in the literature. This variant has not been identified in the general population by the Genome Aggregation Database (gnomAD). The available evidence is insufficient to determine the role of this variant in disease conclusively. Therefore, this variant is classified as a Variant of Uncertain Significance.

This study involves interpretation of variants in research participants for the purpose of population health screening. Participant phenotype was not available at the time of variant classification. Additional details can be found in publication PMID: 35346344, PMCID: PMC8962531

NM_000540.3(RYR1):c.1925+6G>A

Gene: RYR1 (ryanodine receptor 1; plus strand). Cytogenetic location: 19q13.2.
Variant type: single nucleotide variant.
Coding change: c.1925+6G>A on transcript NM_000540.3 (MANE Select); 6 bases into the intron after coding-DNA position 1925, G replaced by A.
Molecular consequence: intron variant.
Genome position (GRCh38, 1-based): chr19:38,457,636, G>A. VCF-style: chr19-38457636-G-A. GRCh37 (hg19) VCF-style: chr19-38948276-G-A.
Other names: c.1925+6G>A (NM_001042723.2).
Identifiers: ClinVar variation 3073444 (VCV003073444.1), dbSNP rs770095510, ClinGen allele CA2576770237.